The following is an entry in ClinVar:

NM_001378418.1(TCF20):c.4174CCT[1] (p.Pro1393del)

Gene: TCF20 (transcription factor 20; minus strand). Cytogenetic location: 22q13.2.
Variant type: Microsatellite.
Coding change: c.4174CCT[1] on transcript NM_001378418.1 (MANE Select); one copy of the 3-base unit CCT starting at c.4174; the reference has two copies in a row; one copy, 3 bases deleted.
Protein change: p.Pro1393del; deletes proline 1393.
Genome position (GRCh38, 1-based): chr22:42,211,127-42,211,129, AGG deleted on the plus strand (CCT on the coding strand, the reverse complement: TCF20 is on the minus strand); deleting any 3 consecutive bases within chr22:42,211,127-42,211,133 gives the same sequence; the position shown is the placement nearest the transcript's 3' end. VCF-style (leftmost placement, unchanged base first): chr22-42211126-CAGG-C. GRCh37 (hg19) VCF-style: chr22-42607132-CAGG-C.
Other names: c.4174CCT[1], p.Pro1393del (NM_005650.4, NM_181492.3); short protein forms P1393del.
Identifiers: ClinVar variation 4527619 (VCV004527619.1).

ClinVar aggregate classification (germline): Uncertain significance (1 of 4 stars; one submission).

Submission:

GeneDx
Classification: Uncertain significance. Last evaluated: 2025-04-24. Review status: criteria provided, single submitter. Criteria: GeneDx Variant Classification Process June 2021. Collection method: clinical testing. Allele origin: germline. Affected: yes.
Comment: In-frame deletion of 1 amino acid(s) in a non-repeat region; Not observed at significant frequency in large population cohorts (gnomAD); In silico analysis indicates that this variant does not alter protein structure/function; Has not been previously published as pathogenic or benign to our knowledge